The following is an entry in ClinVar:

ClinVar aggregate classification (germline): Pathogenic (1 of 4 stars; one submission).

Submission:

CeGaT Center for Human Genetics Tuebingen
Classification: Pathogenic. Last evaluated: 2025-07-01. Review status: criteria provided, single submitter. Criteria: CeGaT Center For Human Genetics Tuebingen Variant Classification Criteria Version 2. Collection method: clinical testing. Allele origin: germline. Affected: yes. Observed: 1 variant allele.
Comment: USP7: PVS1, PM2

NM_003470.3(USP7):c.1079-1_1079delinsTG

Gene: USP7 (ubiquitin specific peptidase 7; minus strand). Cytogenetic location: 16p13.2.
Variant type: Indel.
Coding change: c.1079-1_1079delinsTG on transcript NM_003470.3 (MANE Select); the canonical splice acceptor site of the intron before coding-DNA position 1079 through coding-DNA position 1079, GT replaced by TG.
Molecular consequence: splice acceptor variant.
Genome position (GRCh38, 1-based): chr16:8,910,827-8,910,828, AC replaced by CA on the plus strand (GT replaced by TG on the coding strand, the reverse complement: USP7 is on the minus strand). VCF-style: chr16-8910827-AC-CA. GRCh37 (hg19) VCF-style: chr16-9004684-AC-CA.
Other names: c.905-1_905delinsTG (NM_001321858.2); c.1031-1_1031delinsTG (NM_001286457.2); c.782-1_782delinsTG (NM_001286458.2).
Identifiers: ClinVar variation 4085995 (VCV004085995.8).